The following is an entry in ClinVar:

NM_015041.3(CLUAP1):c.22+7C>T

Genes: CLUAP1 (clusterin associated protein 1; plus strand), LOC130058340 (ATAC-STARR-seq lymphoblastoid active region 10324; plus strand). Cytogenetic location: 16p13.3.
Variant type: single nucleotide variant.
Coding change: c.22+7C>T on transcript NM_015041.3 (MANE Select); 7 bases into the intron after coding-DNA position 22, C replaced by T.
Molecular consequence: intron variant.
Genome position (GRCh38, 1-based): chr16:3,501,096, C>T. VCF-style: chr16-3501096-C-T. GRCh37 (hg19) VCF-style: chr16-3551096-C-T.
Other names: c.22+7C>T (NM_001330454.2).
Identifiers: ClinVar variation 1486314 (VCV001486314.8), dbSNP rs369602114, ClinGen allele CA276957387.

ClinVar aggregate classification (germline): Uncertain significance (1 of 4 stars; one submission).

Allele frequency attached by ClinVar (database versions not stated): gnomAD exomes below 0.00001; TOPMed 0.00003; gnomAD 0.00004 and 0.00005; ESP Exome Variant Server 0.00008.
gnomAD v4.1: 9 of 1,590,980 alleles (0.00057%); highest among the groups gnomAD compares: African/African-American, 0.011%; no homozygotes.

Submission:

Labcorp Genetics (formerly Invitae), Labcorp
Classification: Uncertain significance. Last evaluated: 2025-09-23. Review status: criteria provided, single submitter. Criteria: Invitae Variant Classification Sherloc (09022015). Collection method: clinical testing. Allele origin: germline.
Comment: This sequence change falls in intron 1 of the CLUAP1 gene. It does not directly change the encoded amino acid sequence of the CLUAP1 protein. This variant is not present in population databases (gnomAD no frequency). This variant has not been reported in the literature in individuals affected with CLUAP1-related conditions. ClinVar contains an entry for this variant (Variation ID: 1486314). Algorithms developed to predict the effect of sequence changes on RNA splicing suggest that this variant may create or strengthen a splice site. In summary, the available evidence is currently insufficient to determine the role of this variant in disease. Therefore, it has been classified as a Variant of Uncertain Significance.